The following is an entry in ClinVar:

NM_173648.4(CCDC141):c.2710G>A (p.Asp904Asn)

Gene: CCDC141 (coiled-coil domain containing 141; minus strand). Cytogenetic location: 2q31.2.
Variant type: single nucleotide variant.
Coding change: c.2710G>A on transcript NM_173648.4 (MANE Select); coding-DNA position 2710, G replaced by A.
Protein change: p.Asp904Asn; replaces aspartic acid 904 with asparagine.
Molecular consequence: missense variant.
Genome position (GRCh38, 1-based): chr2:178,865,781, C>T on the plus strand (G>A on the coding strand, the complement: CCDC141 is on the minus strand). VCF-style: chr2-178865781-C-T. GRCh37 (hg19) VCF-style: chr2-179730508-C-T.
Other names: c.2710G>A (NM_173648.3); short protein forms D904N.
Identifiers: ClinVar variation 2165607 (VCV002165607.5), dbSNP rs369646310, ClinGen allele CA2006923.

ClinVar aggregate classification (germline): Uncertain significance. Review status: criteria provided, multiple submitters, no conflicts (2 of 4 stars). 2 submissions from 2 submitters: Uncertain significance (2). Last evaluated 2025-11-08.

Allele frequency attached by ClinVar (database versions not stated): ExAC 0.00001; gnomAD 0.00001; TOPMed 0.00001; ESP Exome Variant Server 0.00008.
gnomAD v4.1: 9 of 1,545,702 alleles (0.00058%); highest among the groups gnomAD compares: East Asian, 0.0047%; no homozygotes.

Submissions (2):

Ambry Genetics
Classification: Uncertain significance. Last evaluated: 2025-11-08. Review status: criteria provided, single submitter. Criteria: Ambry Variant Classification Scheme 2023. Collection method: clinical testing. Allele origin: germline.

Labcorp Genetics (formerly Invitae), Labcorp
Classification: Uncertain significance. Last evaluated: 2022-08-31. Review status: criteria provided, single submitter. Criteria: Invitae Variant Classification Sherloc (09022015). Collection method: clinical testing. Allele origin: germline.
Comment: This sequence change replaces aspartic acid, which is acidic and polar, with asparagine, which is neutral and polar, at codon 904 of the CCDC141 protein (p.Asp904Asn). In summary, the available evidence is currently insufficient to determine the role of this variant in disease. Therefore, it has been classified as a Variant of Uncertain Significance. Algorithms developed to predict the effect of missense changes on protein structure and function are either unavailable or do not agree on the potential impact of this missense change (SIFT: "Deleterious"; PolyPhen-2: "Benign"; Align-GVGD: "Class C0"). This variant has not been reported in the literature in individuals affected with CCDC141-related conditions. This variant is present in population databases (rs369646310, gnomAD 0.002%).